The following is an entry in ClinVar:

NM_001199138.2(NLRC4):c.1212C>G (p.His404Gln)

Gene: NLRC4 (NLR family CARD domain containing 4; minus strand). Cytogenetic location: 2p22.3.
Variant type: single nucleotide variant.
Coding change: c.1212C>G on transcript NM_001199138.2 (MANE Select); coding-DNA position 1212, C replaced by G.
Protein change: p.His404Gln; replaces histidine 404 with glutamine.
Molecular consequence: missense variant. On other transcripts: intron variant (1).
Genome position (GRCh38, 1-based): chr2:32,250,652, G>C on the plus strand (C>G on the coding strand, the complement: NLRC4 is on the minus strand). VCF-style: chr2-32250652-G-C. GRCh37 (hg19) VCF-style: chr2-32475721-G-C.
Other names: c.1212C>G, p.His404Gln (NM_001199139.2, NM_021209.5); c.262+1767C>G (NM_001302504.1); short protein forms H404Q.
Identifiers: ClinVar variation 3242042 (VCV003242042.1), dbSNP rs2466760607.

ClinVar aggregate classification (germline): Uncertain significance (1 of 4 stars; one submission).

Conditions:
Familial cold autoinflammatory syndrome 4 (FCAS4). Identifiers: Orphanet 47045, Orphanet 576349, MedGen C4015276, MONDO:0014498, OMIM 616115.

Submission:

Neuberg Centre For Genomic Medicine, NCGM
Classification: Uncertain significance for Familial cold autoinflammatory syndrome 4. Review status: criteria provided, single submitter. Criteria: ACMG Guidelines, 2015. Collection method: clinical testing. Allele origin: germline. Inheritance: Autosomal dominant inheritance. Affected: yes.
Comment: The observed missense c.1212C>G(p.His404Gln) variant in NLRC4 gene has not been reported previously as a pathogenic variant nor as a benign variant, to our knowledge. This variant is absent in gnomAD Exomes. The amino acid His at position 404 is changed to a Gln changing protein sequence and it might alter its composition and physico-chemical properties. For these reasons, this variant has been classified as Uncertain Significance.